The following is an entry in ClinVar:

ClinVar aggregate classification (germline): Likely pathogenic (1 of 4 stars; one submission).

Conditions:
Wolcott-Rallison dysplasia. Also called: Wolcott-Rallison syndrome; MED-IDDM SYNDROME. Identifiers: Orphanet 1667, MedGen C0432217, MONDO:0009192, OMIM 226980.

Submission:

Center of Excellence of Human Genetics, National Research Center
Classification: Likely pathogenic for Wolcott-Rallison dysplasia. Review status: criteria provided, single submitter. Criteria: ACMG Guidelines, 2015. Collection method: clinical testing. Allele origin: germline. Affected: yes.
Comment: The sequence change c.2939del p.R980Nfs*6 in EIF2AK3 consists of a single-nucleotide deletion within the coding sequence that alters the reading frame from codon 980 onward, replacing the arginine at position 980 with an asparagine and introducing a premature termination codon six amino acids downstream. This results in a predicted truncated protein with an altered C-terminal sequence.

Literature cited by the submitters: PubMed 40990967.

NM_004836.7(EIF2AK3):c.2939del (p.Arg980fs)

Genes: EIF2AK3-AS1 (EIF2AK3 antisense RNA 1; plus strand), EIF2AK3 (eukaryotic translation initiation factor 2 alpha kinase 3; minus strand). Cytogenetic location: 2p11.2.
Variant type: Deletion.
Coding change: c.2939del on transcript NM_004836.7 (MANE Select); coding-DNA position 2939, one base deleted (G; older notation c.2939delG).
Protein change: p.Arg980fs; shifts the reading frame from arginine 980.
Molecular consequence: frameshift variant.
Genome position (GRCh38, 1-based): chr2:88,570,920, C deleted on the plus strand (G on the coding strand, the reverse complement: EIF2AK3 is on the minus strand). VCF-style (leftmost placement, unchanged base first): chr2-88570919-TC-T. GRCh37 (hg19) VCF-style: chr2-88870437-TC-T.
Other names: c.2486del, p.Arg829fs (NM_001313915.2); short protein forms R829fs, R980fs.
Identifiers: ClinVar variation 5038451 (VCV005038451.1).